The following is an entry in ClinVar:

ClinVar aggregate classification (germline): Uncertain significance. Review status: criteria provided, multiple submitters, no conflicts (2 of 4 stars). 2 submissions from 2 submitters: Uncertain significance (2). Last evaluated 2025-04-26.

Conditions:
Cardiomyopathy (CMYO). Also called: Cardiomyopathies. Identifiers: Orphanet 167848, MedGen C0878544, MONDO:0004994, HP:0001638. Inheritance: Various modes of inheritance.

Allele frequency attached by ClinVar (database versions not stated): ExAC 0.00001; gnomAD exomes below 0.00001 and 0.00001.
gnomAD v4.1: 22 of 1,614,186 alleles (0.0014%); highest among the groups gnomAD compares: East Asian, 0.047%; no homozygotes.

Submissions (2):

GeneDx
Classification: Uncertain significance. Last evaluated: 2025-04-26. Review status: criteria provided, single submitter. Criteria: GeneDx Variant Classification Process June 2021. Collection method: clinical testing. Allele origin: germline. Affected: yes.
Comment: Not observed at significant frequency in large population cohorts (gnomAD); In silico analysis supports that this missense variant has a deleterious effect on protein structure/function; Has not been previously published as pathogenic or benign to our knowledge

Color Diagnostics, LLC DBA Color Health
Classification: Uncertain significance for Cardiomyopathy. Last evaluated: 2024-03-06. Review status: criteria provided, single submitter. Criteria: ACMG Guidelines, 2015. Collection method: clinical testing. Allele origin: germline.
Comment: This missense variant replaces lysine with glutamic acid at codon 66 of the DSG2 protein. Computational prediction suggests that this variant may not impact protein structure and function (internally defined REVEL score threshold <= 0.5, PMID: 27666373). To our knowledge, functional studies have not been reported for this variant. This variant has not been reported in individuals affected with cardiovascular disorders in the literature. This variant has been identified in 1/249498 chromosomes in the general population by the Genome Aggregation Database (gnomAD). The available evidence is insufficient to determine the role of this variant in disease conclusively. Therefore, this variant is classified as a Variant of Uncertain Significance.

NM_001943.5(DSG2):c.196A>G (p.Lys66Glu)

Gene: DSG2 (desmoglein 2; plus strand). Cytogenetic location: 18q12.1.
Variant type: single nucleotide variant.
Coding change: c.196A>G on transcript NM_001943.5 (MANE Select); coding-DNA position 196, A replaced by G.
Protein change: p.Lys66Glu; replaces lysine 66 with glutamic acid.
Molecular consequence: missense variant.
Genome position (GRCh38, 1-based): chr18:31,519,917, A>G. VCF-style: chr18-31519917-A-G. GRCh37 (hg19) VCF-style: chr18-29099880-A-G.
Other names: c.196A>G (NM_001943.3); short protein forms K66E.
Identifiers: ClinVar variation 1171538 (VCV001171538.4), dbSNP rs759603724, ClinGen allele CA044417.